The following is an entry in ClinVar:

NM_018975.4(TERF2IP):c.664A>G (p.Ser222Gly)

Gene: TERF2IP (TERF2 interacting protein; plus strand). Cytogenetic location: 16q23.1.
Variant type: single nucleotide variant.
Coding change: c.664A>G on transcript NM_018975.4 (MANE Select); coding-DNA position 664, A replaced by G.
Protein change: p.Ser222Gly; replaces serine 222 with glycine.
Molecular consequence: missense variant. On other transcripts: non-coding transcript variant (1).
Genome position (GRCh38, 1-based): chr16:75,648,546, A>G. VCF-style: chr16-75648546-A-G. GRCh37 (hg19) VCF-style: chr16-75682444-A-G.
Other names: short protein forms S222G.
Identifiers: ClinVar variation 1754670 (VCV001754670.2), dbSNP rs2507075488, ClinGen allele CA396818399.

ClinVar aggregate classification (germline): Uncertain significance (1 of 4 stars; one submission).

Submission:

Ambry Genetics
Classification: Uncertain significance. Last evaluated: 2024-01-11. Review status: criteria provided, single submitter. Criteria: Ambry Variant Classification Scheme 2023. Collection method: clinical testing. Allele origin: germline.
Comment: The p.S222G variant (also known as c.664A>G), located in coding exon 1 of the TERF2IP gene, results from an A to G substitution at nucleotide position 664. The serine at codon 222 is replaced by glycine, an amino acid with similar properties. This amino acid position is conserved. In addition, this alteration is predicted to be tolerated by in silico analysis. Since supporting evidence is limited at this time, the clinical significance of this alteration remains unclear.